The following is an entry in ClinVar:

ClinVar aggregate classification (germline): Uncertain significance (1 of 4 stars; one submission).

Conditions:
Emery-Dreifuss muscular dystrophy 5, autosomal dominant (EDMD5). Also called: EMERY-DREIFUSS MUSCULAR DYSTROPHY 5. Identifiers: Orphanet 261, MedGen C2751805, MONDO:0013072, OMIM 612999.

Allele frequency attached by ClinVar (database versions not stated): gnomAD exomes below 0.00001; gnomAD 0.00001.
gnomAD v4.1: 2 of 1,613,330 alleles (0.00012%); highest among the groups gnomAD compares: Admixed American, 0.0033%; no homozygotes.

Submission:

Labcorp Genetics (formerly Invitae), Labcorp
Classification: Uncertain significance for Emery-Dreifuss muscular dystrophy 5, autosomal dominant. Last evaluated: 2024-01-02. Review status: criteria provided, single submitter. Criteria: Invitae Variant Classification Sherloc (09022015). Collection method: clinical testing. Allele origin: germline.
Comment: This sequence change replaces glutamic acid, which is acidic and polar, with glycine, which is neutral and non-polar, at codon 1051 of the SYNE2 protein (p.Glu1051Gly). This variant is present in population databases (no rsID available, gnomAD 0.1%). This variant has not been reported in the literature in individuals affected with SYNE2-related conditions. An algorithm developed to predict the effect of missense changes on protein structure and function (PolyPhen-2) suggests that this variant is likely to be tolerated. In summary, the available evidence is currently insufficient to determine the role of this variant in disease. Therefore, it has been classified as a Variant of Uncertain Significance.

NM_182914.3(SYNE2):c.3152A>G (p.Glu1051Gly)

Gene: SYNE2 (spectrin repeat containing nuclear envelope protein 2; plus strand). Cytogenetic location: 14q23.2.
Variant type: single nucleotide variant.
Coding change: c.3152A>G on transcript NM_182914.3 (MANE Select); coding-DNA position 3152, A replaced by G.
Protein change: p.Glu1051Gly; replaces glutamic acid 1051 with glycine.
Molecular consequence: missense variant.
Genome position (GRCh38, 1-based): chr14:63,997,158, A>G. VCF-style: chr14-63997158-A-G. GRCh37 (hg19) VCF-style: chr14-64463876-A-G.
Other names: c.3152A>G, p.Glu1051Gly (NM_015180.6); short protein forms E1051G.
Identifiers: ClinVar variation 1974533 (VCV001974533.5), dbSNP rs1426075287, ClinGen allele CA389988528.